The following is an entry in ClinVar:

NM_001813.3(CENPE):c.4438A>G (p.Lys1480Glu)

Gene: CENPE (centromere protein E; minus strand). Cytogenetic location: 4q24.
Variant type: single nucleotide variant.
Coding change: c.4438A>G on transcript NM_001813.3 (MANE Select); coding-DNA position 4438, A replaced by G.
Protein change: p.Lys1480Glu; replaces lysine 1480 with glutamic acid.
Molecular consequence: missense variant.
Genome position (GRCh38, 1-based): chr4:103,145,657, T>C on the plus strand (A>G on the coding strand, the complement: CENPE is on the minus strand). VCF-style: chr4-103145657-T-C. GRCh37 (hg19) VCF-style: chr4-104066814-T-C.
Other names: c.4363A>G, p.Lys1455Glu (NM_001286734.2); short protein forms K1480E, K1455E.
Identifiers: ClinVar variation 730115 (VCV000730115.5), dbSNP rs148056533, ClinGen allele CA3029830.

ClinVar aggregate classification (germline): Likely benign. Review status: criteria provided, single submitter (1 of 4 stars). 2 submissions from 2 submitters: Likely benign (1). 1 of the submissions does not count toward it. Last evaluated 2018-06-27.

Conditions:
CENPE-related disorder. Also called: CENPE-related condition.

Allele frequency attached by ClinVar (database versions not stated): gnomAD exomes 0.00008 and 0.00026; ExAC 0.00025; 1000 Genomes Project 0.00060; 1000 Genomes Project 30x 0.00062; TOPMed 0.00099; ESP Exome Variant Server 0.00123.
gnomAD v4.1: 241 of 1,600,602 alleles (0.015%); highest among the groups gnomAD compares: African/African-American, 0.28%; 1 homozygote.

Submissions (2):

Labcorp Genetics (formerly Invitae), Labcorp
Classification: Likely benign. Last evaluated: 2018-06-27. Review status: criteria provided, single submitter. Criteria: Invitae Variant Classification Sherloc (09022015). Collection method: clinical testing. Allele origin: germline.

PreventionGenetics, part of Exact Sciences
Classification: Likely benign for CENPE-related condition. Last evaluated: 2020-10-12. Review status: no assertion criteria provided. Collection method: clinical testing. Allele origin: germline. Not counted in ClinVar's aggregate classification.
Comment: This variant is classified as likely benign based on ACMG/AMP sequence variant interpretation guidelines (Richards et al. 2015 PMID: 25741868, with internal and published modifications).